The following is an entry in ClinVar:

NM_020706.2(SCAF4):c.691A>C (p.Thr231Pro)

Gene: SCAF4 (SR-related CTD associated factor 4; minus strand). Cytogenetic location: 21q22.11.
Variant type: single nucleotide variant.
Coding change: c.691A>C on transcript NM_020706.2 (MANE Select); coding-DNA position 691, A replaced by C.
Protein change: p.Thr231Pro; replaces threonine 231 with proline.
Molecular consequence: missense variant.
Genome position (GRCh38, 1-based): chr21:31,701,081, T>G on the plus strand (A>C on the coding strand, the complement: SCAF4 is on the minus strand). VCF-style: chr21-31701081-T-G. GRCh37 (hg19) VCF-style: chr21-33073394-T-G.
Other names: c.646A>C, p.Thr216Pro (NM_001145444.1); c.691A>C, p.Thr231Pro (NM_001145445.1); short protein forms T216P, T231P.
Identifiers: ClinVar variation 3370752 (VCV003370752.1).

ClinVar aggregate classification (germline): Uncertain significance (1 of 4 stars; one submission).

Submission:

GeneDx
Classification: Uncertain significance. Last evaluated: 2024-03-12. Review status: criteria provided, single submitter. Criteria: GeneDx Variant Classification Process June 2021. Collection method: clinical testing. Allele origin: germline. Affected: yes.
Comment: Not observed at significant frequency in large population cohorts (gnomAD); In silico analysis supports that this missense variant has a deleterious effect on protein structure/function; Has not been previously published as pathogenic or benign to our knowledge